The following is an entry in ClinVar:

ClinVar aggregate classification (germline): Pathogenic (1 of 4 stars; one submission).

Submission:

GeneDx
Classification: Pathogenic. Last evaluated: 2016-02-26. Review status: criteria provided, single submitter. Criteria: GeneDx Variant Classification (06012015). Collection method: clinical testing. Allele origin: germline. Affected: yes.
Comment: The R1709X pathogenic variant in the MED12 gene has not been reported previously as a pathogenic variant nor as a benign variant, to our knowledge. This variant is predicted to cause loss of normal protein function either through protein truncation or nonsense-mediated mRNA decay. The R1079X was not observed in approximately 6500 individuals of European and African American ancestry in the NHLBI Exome Sequencing Project, indicating it is not a common benign variant in these populations. We interpret R1079X as a pathogenic variant.

NM_005120.3(MED12):c.5125C>T (p.Arg1709Ter)

Gene: MED12 (mediator complex subunit 12; plus strand). Cytogenetic location: Xq13.1.
Variant type: single nucleotide variant.
Coding change: c.5125C>T on transcript NM_005120.3 (MANE Select); coding-DNA position 5125, C replaced by T.
Protein change: p.Arg1709Ter; replaces arginine 1709 with a stop codon.
Molecular consequence: nonsense.
Genome position (GRCh38, 1-based): chrX:71,136,380, C>T. VCF-style: chrX-71136380-C-T. GRCh37 (hg19) VCF-style: chrX-70356230-C-T.
Other names: short protein forms R1709*.
Identifiers: ClinVar variation 280361 (VCV000280361.2), dbSNP rs886041581, ClinGen allele CA10603737.